The following is an entry in ClinVar:

ClinVar aggregate classification (germline): Pathogenic. Review status: reviewed by expert panel (3 of 4 stars). 6 submissions from 6 submitters: Pathogenic (1). 5 of the submissions do not count toward it. Last evaluated 2026-11-20.

Conditions:
Retinal dystrophy. Also called: Inherited retinal dystrophy. Identifiers: Orphanet 71862, MedGen C0854723, MeSH D058499, MONDO:0019118, HP:0000556.
Retinitis pigmentosa (RP). Identifiers: Orphanet 791, MedGen C0035334, MeSH D012174, MONDO:0019200, OMIM 268000. Inheritance: Autosomal dominant, autosomal recessive and X linked inheritance.
RPGR-related disorder. Also called: RPGR-related condition.
RPGR-related retinopathy. Also called: RPGR retinopathy. Identifiers: MedGen CN305589, MONDO:0100437.

Submissions (6):

ClinGen X-linked Inherited Retinal Disease Variant Curation Expert Panel, ClinGen
Classification: Pathogenic for RPGR-related retinopathy. Last evaluated: 2026-11-20. Review status: reviewed by expert panel. Criteria: ClinGen X LinkedIRD ACMG Specifications RPGR V1.0.0. Collection method: curation. Allele origin: germline. Inheritance: X-linked inheritance.
Comment: The NM_001034853.2(RPGR):c.29-1G>T variant in the RPGR gene is a canonical splice site variant in intron 1, located 1 nucleotide before exon 2. This variant is absent from hemizygous individuals in gnomAD v4.1.2 (PM2_Supporting). This variant occurs at a canonical splice site in intron 1 and is predicted to disrupt splicing and induce skipping of exon 2, which was reviewed by the X-linked IRD VCEP and found to be deleterious in RPGR (PVS1). This variant is in the +/- 1,2 dinucleotide and meets the PVS1 (met) criteria, and another variant in the same donor/acceptor +/-1,2 dinucleotide, c.29-2A>G and c.29-2A>T, was previously classified as pathogenic for RPGR-related retinopathy by the ClinGen X-linked IRD VCEP (PS1_Supporting). This variant has been reported in at least 3 apparently unrelated probands meeting one of the PS4 requirements of a male with some functional vision impairment by age 30 and/or decreased or absent ERG response (PMID: 32531858). Hence, the requirement of at least 2 unrelated probands was not met, and PS4 was not applied. In summary, this variant is classified as Pathogenic for RPGR-related retinopathy based on the ClinGen X-linked Inherited Retinal Disease Expert Panel Specifications to the ACMG/AMP Variant Interpretation Guidelines for RPGR, Version 1.0.0, using the following evidence codes: PVS1, PS1_Supporting, and PM2_supporting.

Institute of Medical Genetics and Applied Genomics, University Hospital Tübingen
Classification: Likely pathogenic. Last evaluated: 2021-06-17. Review status: criteria provided, single submitter. Criteria: ACMG Guidelines, 2015. Collection method: clinical testing. Allele origin: germline. Inheritance: X-linked recessive inheritance. Affected: yes. Not counted in ClinVar's aggregate classification.

Molecular Genetics Laboratory, Institute for Ophthalmic Research
Classification: Pathogenic for Retinitis pigmentosa. Last evaluated: 2020-01-09. Review status: criteria provided, single submitter. Criteria: ACMG Guidelines, 2015. Collection method: research. Allele origin: germline. Affected: yes. Not counted in ClinVar's aggregate classification.

Blueprint Genetics
Classification: Pathogenic for RPGR-related disorders. Last evaluated: 2019-06-30. Review status: criteria provided, single submitter. Criteria: ACMG Guidelines, 2015. Collection method: clinical testing. Allele origin: germline. Affected: yes. Observed: 1 variant allele. Not counted in ClinVar's aggregate classification.

CeGaT Center for Human Genetics Tuebingen
Classification: Pathogenic. Last evaluated: 2019-01-01. Review status: criteria provided, single submitter. Criteria: CeGaT Center For Human Genetics Tuebingen Variant Classification Criteria Version 2. Collection method: clinical testing. Allele origin: germline. Affected: yes. Observed: 1 variant allele. Not counted in ClinVar's aggregate classification.

Institute of Human Genetics, Univ. Regensburg, Univ. Regensburg
Classification: Pathogenic for Retinal dystrophy. Last evaluated: 2021-01-01. Review status: no assertion criteria provided. Criteria: ACMG Guidelines, 2015. Collection method: clinical testing. Allele origin: germline. Affected: yes. Not counted in ClinVar's aggregate classification.

NM_001034853.2(RPGR):c.29-1G>T

Gene: RPGR (retinitis pigmentosa GTPase regulator; minus strand). Cytogenetic location: Xp11.4.
Variant type: single nucleotide variant.
Coding change: c.29-1G>T on transcript NM_001034853.2 (MANE Select); the canonical splice acceptor site of the intron before coding-DNA position 29, G replaced by T.
Molecular consequence: splice acceptor variant.
Genome position (GRCh38, 1-based): chrX:38,323,525, C>A on the plus strand (G>T on the coding strand, the complement: RPGR is on the minus strand). VCF-style: chrX-38323525-C-A. GRCh37 (hg19) VCF-style: chrX-38182778-C-A.
Other names: c.29-1G>T (NM_001367249.1, NM_001367250.1, NM_001367245.1 and 4 more transcripts); c.59-1G>T (NM_001367248.1).
Identifiers: ClinVar variation 813233 (VCV000813233.46), dbSNP rs2067987832, ClinGen allele CA412746213.